The following is an entry in ClinVar:

ClinVar aggregate classification (germline): Uncertain significance. Review status: criteria provided, multiple submitters, no conflicts (2 of 4 stars). 3 submissions from 3 submitters: Uncertain significance (3). Last evaluated 2025-07-10.

Conditions:
Autosomal dominant nonsyndromic hearing loss 4B. Identifiers: Orphanet 90635, MedGen C3281297, MONDO:0013823, OMIM 614614.
Hearing loss, autosomal recessive 113. Also called: Deafness, autosomal recessive 113. Identifiers: MedGen C5193079, MONDO:0032732, OMIM 618410.
Hearing impairment. Also called: Impaired Hearing. Identifiers: MedGen C1384666, MONDO:0005365, HP:0000365.

Allele frequency attached by ClinVar (database versions not stated): gnomAD exomes 0.00002; ExAC 0.00002; TOPMed 0.00004.
gnomAD v4.1: 89 of 1,612,518 alleles (0.0055%); highest among the groups gnomAD compares: Non-Finnish European, 0.0071%; no homozygotes.

Submissions (3):

Labcorp Genetics (formerly Invitae), Labcorp
Classification: Uncertain significance. Last evaluated: 2025-07-10. Review status: criteria provided, single submitter. Criteria: Invitae Variant Classification Sherloc (09022015). Collection method: clinical testing. Allele origin: germline.
Comment: This sequence change replaces arginine, which is basic and polar, with tryptophan, which is neutral and slightly polar, at codon 379 of the CEACAM16 protein (p.Arg379Trp). This variant is present in population databases (rs771692758, gnomAD 0.005%). This variant has not been reported in the literature in individuals affected with CEACAM16-related conditions. ClinVar contains an entry for this variant (Variation ID: 1065067). An algorithm developed to predict the effect of missense changes on protein structure and function (PolyPhen-2) suggests that this variant is likely to be disruptive. In summary, the available evidence is currently insufficient to determine the role of this variant in disease. Therefore, it has been classified as a Variant of Uncertain Significance.

Fulgent Genetics
Classification: Uncertain significance for Autosomal dominant nonsyndromic hearing loss 4B; Hearing loss, autosomal recessive 113. Last evaluated: 2021-09-23. Review status: criteria provided, single submitter. Criteria: ACMG Guidelines, 2015. Collection method: clinical testing. Allele origin: unknown.

Department of Otolaryngology – Head & Neck Surgery, Cochlear Implant Center
Classification: Uncertain significance for Hearing impairment. Last evaluated: 2021-04-12. Review status: criteria provided, single submitter. Criteria: ClinGen HL ACMG Specifications v1. Collection method: clinical testing. Allele origin: germline. Affected: yes.
Comment: PM2_Moderate, PM3_Supporting, PP3_Supporting

NM_001039213.4(CEACAM16):c.1135C>T (p.Arg379Trp)

Genes: CEACAM16 (CEA cell adhesion molecule 16, tectorial membrane component; plus strand), CEACAM16-AS1 (CEACAM16, CEACAM19 and PVR antisense RNA 1; minus strand). Cytogenetic location: 19q13.32.
Variant type: single nucleotide variant.
Coding change: c.1135C>T on transcript NM_001039213.4 (MANE Select); coding-DNA position 1135, C replaced by T.
Protein change: p.Arg379Trp; replaces arginine 379 with tryptophan.
Molecular consequence: missense variant.
Genome position (GRCh38, 1-based): chr19:44,708,055, C>T. VCF-style: chr19-44708055-C-T. GRCh37 (hg19) VCF-style: chr19-45211327-C-T.
Other names: short protein forms R379W.
Identifiers: ClinVar variation 1065067 (VCV001065067.6), dbSNP rs771692758, ClinGen allele CA9503241.